The following is an entry in ClinVar:

NM_014516.4(CNOT3):c.726C>A (p.Ser242=)

Gene: CNOT3 (CCR4-NOT transcription complex subunit 3; plus strand). Cytogenetic location: 19q13.42.
Variant type: single nucleotide variant.
Coding change: c.726C>A on transcript NM_014516.4 (MANE Select); coding-DNA position 726, C replaced by A.
Protein change: p.Ser242=; no amino-acid change (serine 242 retained).
Molecular consequence: synonymous variant.
Genome position (GRCh38, 1-based): chr19:54,145,932, C>A. VCF-style: chr19-54145932-C-A. GRCh37 (hg19) VCF-style: chr19-54649668-C-A.
Identifiers: ClinVar variation 1970985 (VCV001970985.20), dbSNP rs746793484, ClinGen allele CA309339175.
Genomic context (GRCh38, chr19:54,145,932, plus strand): 5'-GTGAGCCAGCTAAGCATGCCCTTCTTCTGCCCCCACAGCACAGGCGCTGGTCGCCACCTC[C>A]CCCCCCAGCCACAGCCACATGGAGGATGAGATCTTCAACCAGTCCAGCAGCACGCCCACC-3'
Protein context (NP_055331.1, residues 232-252): EDIPQALVAT[Ser242=]PPSHSHMEDE

ClinVar aggregate classification (germline): Benign/Likely benign. Review status: criteria provided, multiple submitters, no conflicts (2 of 4 stars). 3 submissions from 3 submitters: Benign (1); Likely benign (2). Last evaluated 2026-09-01.

Allele frequency attached by ClinVar (database versions not stated): gnomAD 0.00040; ExAC 0.00043; TOPMed 0.00046.
gnomAD v4.1: 995 of 1,613,584 alleles (0.062%); highest among the groups gnomAD compares: Non-Finnish European, 0.077%; 1 homozygote.

Submissions (3):

CeGaT Center for Human Genetics Tuebingen
Classification: Likely benign. Last evaluated: 2026-09-01. Review status: criteria provided, single submitter. Criteria: CeGaT Center For Human Genetics Tuebingen Variant Classification Criteria Version 2. Collection method: clinical testing. Allele origin: germline. Affected: yes. Observed: 3 variant alleles.
Comment: CNOT3: BP4, BP7

Labcorp Genetics (formerly Invitae), Labcorp
Classification: Benign. Last evaluated: 2025-12-23. Review status: criteria provided, single submitter. Criteria: Invitae Variant Classification Sherloc (09022015). Collection method: clinical testing. Allele origin: germline.

Blueprint Genetics
Classification: Likely benign. Last evaluated: 2024-11-19. Review status: criteria provided, single submitter. Criteria: ACMG Guidelines, 2015. Collection method: clinical testing. Allele origin: germline.